The following is an entry in ClinVar:

NM_000384.3(APOB):c.1721T>C (p.Ile574Thr)

Gene: APOB (apolipoprotein B; minus strand). Cytogenetic location: 2p24.1.
Variant type: single nucleotide variant.
Coding change: c.1721T>C on transcript NM_000384.3 (MANE Select); coding-DNA position 1721, T replaced by C.
Protein change: p.Ile574Thr; replaces isoleucine 574 with threonine.
Molecular consequence: missense variant.
Genome position (GRCh38, 1-based): chr2:21,028,435, A>G on the plus strand (T>C on the coding strand, the complement: APOB is on the minus strand). VCF-style: chr2-21028435-A-G. GRCh37 (hg19) VCF-style: chr2-21251307-A-G.
Other names: short protein forms I574T.
Identifiers: ClinVar variation 3933151 (VCV003933151.2).

ClinVar aggregate classification (germline): Uncertain significance. Review status: criteria provided, multiple submitters, no conflicts (2 of 4 stars). 2 submissions from 2 submitters: Uncertain significance (2). Last evaluated 2026-04-15.

Conditions:
Cardiovascular phenotype. Identifiers: MedGen CN230736.

gnomAD v4.1: 5 of 1,614,092 alleles (0.00031%); highest among the groups gnomAD compares: Non-Finnish European, 0.00034%; no homozygotes.

Submissions (2):

GeneDx
Classification: Uncertain significance. Last evaluated: 2026-04-15. Review status: criteria provided, single submitter. Criteria: GeneDx Variant Classification Process June 2021. Collection method: clinical testing. Allele origin: germline.
Comment: Not observed at significant frequency in large population cohorts (gnomAD); In silico analysis supports that this missense variant has a deleterious effect on protein structure/function; Has not been previously published as pathogenic or benign to our knowledge

Ambry Genetics
Classification: Uncertain significance for Cardiovascular phenotype. Last evaluated: 2025-05-18. Review status: criteria provided, single submitter. Criteria: Ambry Variant Classification Scheme 2023. Collection method: clinical testing. Allele origin: germline.
Comment: The p.I574T variant (also known as c.1721T>C), located in coding exon 13 of the APOB gene, results from a T to C substitution at nucleotide position 1721. The isoleucine at codon 574 is replaced by threonine, an amino acid with similar properties. This amino acid position is conserved. In addition, the in silico prediction for this alteration is inconclusive. Based on the available evidence, the clinical significance of this variant remains unclear.